The following is an entry in ClinVar:

ClinVar aggregate classification (germline): Likely benign. Review status: criteria provided, multiple submitters, no conflicts (2 of 4 stars). 3 submissions from 3 submitters: Likely benign (3). Last evaluated 2024-11-01.

Conditions:
Cardiovascular phenotype. Identifiers: MedGen CN230736.
Hypertrophic cardiomyopathy 14. Identifiers: MedGen C2750467, MONDO:0013197, OMIM 613251.

Allele frequency attached by ClinVar (database versions not stated): gnomAD 0.00001 and 0.00002; ESP Exome Variant Server 0.00008; TOPMed 0.00005.
gnomAD v4.1: 91 of 1,614,124 alleles (0.0056%); highest among the groups gnomAD compares: Non-Finnish European, 0.007%; no homozygotes.

Submissions (3):

Ambry Genetics
Classification: Likely benign for Cardiovascular phenotype. Last evaluated: 2024-11-01. Review status: criteria provided, single submitter. Criteria: Ambry Variant Classification Scheme 2023. Collection method: clinical testing. Allele origin: germline.

Labcorp Genetics (formerly Invitae), Labcorp
Classification: Likely benign for Hypertrophic cardiomyopathy 14. Last evaluated: 2024-04-09. Review status: criteria provided, single submitter. Criteria: Invitae Variant Classification Sherloc (09022015). Collection method: clinical testing. Allele origin: germline.

Laboratory for Molecular Medicine, Mass General Brigham Personalized Medicine
Classification: Likely benign. Last evaluated: 2012-03-19. Review status: criteria provided, single submitter. Criteria: LMM Criteria. Collection method: clinical testing. Allele origin: germline. Observed: 1 variant allele.
Comment: p.Ser1741Ser in Exon 35 of MYH6: This variant is not expected to have clinical s ignificance because it does not alter an amino acid residue, is not located with in the splice consensus sequence. It has been identified in 1/7020 European Amer ican chromosomes from a broad population by the NHLBI Exome Sequencing Project.

NM_002471.4(MYH6):c.5223G>A (p.Ser1741=)

Gene: MYH6 (myosin heavy chain 6; minus strand). Cytogenetic location: 14q11.2.
Variant type: single nucleotide variant.
Coding change: c.5223G>A on transcript NM_002471.4 (MANE Select); coding-DNA position 5223, G replaced by A.
Protein change: p.Ser1741=; no amino-acid change (serine 1741 retained).
Molecular consequence: synonymous variant.
Genome position (GRCh38, 1-based): chr14:23,384,982, C>T on the plus strand (G>A on the coding strand, the complement: MYH6 is on the minus strand). VCF-style: chr14-23384982-C-T. GRCh37 (hg19) VCF-style: chr14-23854191-C-T.
Identifiers: ClinVar variation 666720 (VCV000666720.13), dbSNP rs368828361, ClinGen allele CA7114506.